The following is an entry in ClinVar:

ClinVar aggregate classification (germline): Conflicting classifications of pathogenicity. Review status: criteria provided, conflicting classifications (1 of 4 stars). 3 submissions from 3 submitters: Uncertain significance (2); Likely benign (1). Last evaluated 2025-08-12.

Conditions:
Hereditary cancer-predisposing syndrome. Also called: Hereditary neoplastic syndrome; Neoplastic Syndromes, Hereditary; Hereditary Cancer Syndrome; Tumor predisposition. Identifiers: Orphanet 140162, MedGen C0027672, MeSH D009386, MONDO:0015356.
Hereditary breast ovarian cancer syndrome. Also called: Hereditary breast and ovarian cancer; Hereditary breast and/or ovarian cancer syndrome; Hereditary breast and ovarian cancer syndrome; Hereditary breast and ovarian cancer syndrome (HBOC); Breast and ovarian cancer; BRCA1- and BRCA2-Associated Hereditary Breast and Ovarian Cancer. Identifiers: Orphanet 145, MedGen C0677776, MeSH D061325, MONDO:0003582. Disease mechanism: loss of function.

Allele frequency attached by ClinVar (database versions not stated): gnomAD exomes below 0.00001.
gnomAD v4.1: 4 of 1,610,778 alleles (0.00025%); highest among the groups gnomAD compares: Non-Finnish European, 0.00034%; no homozygotes.

Submissions (3):

Ambry Genetics
Classification: Uncertain significance for Hereditary cancer-predisposing syndrome. Last evaluated: 2025-08-12. Review status: criteria provided, single submitter. Criteria: Ambry Variant Classification Scheme 2023. Collection method: clinical testing. Allele origin: germline.
Comment: The p.S1743G variant (also known as c.5227A>G), located in coding exon 10 of the BRCA2 gene, results from an A to G substitution at nucleotide position 5227. The serine at codon 1743 is replaced by glycine, an amino acid with similar properties. This amino acid position is conserved. In addition, this alteration is predicted to be tolerated by in silico analysis. Based on the available evidence, the clinical significance of this variant remains unclear.

University of Washington Department of Laboratory Medicine, University of Washington
Classification: Likely benign for Hereditary cancer-predisposing syndrome. Last evaluated: 2023-03-23. Review status: criteria provided, single submitter. Criteria: Dines et al. (Genet Med. 2020). Collection method: curation. Allele origin: germline.
Comment: Missense variant in a coldspot region where missense variants are very unlikely to be pathogenic (PMID:31911673).

BRCA2 exon 11 coldspot. Reclassification based on statistical prior probability.

Labcorp Genetics (formerly Invitae), Labcorp
Classification: Uncertain significance for Hereditary breast ovarian cancer syndrome. Last evaluated: 2020-09-17. Review status: criteria provided, single submitter. Criteria: Invitae Variant Classification Sherloc (09022015). Collection method: clinical testing. Allele origin: germline.
Comment: In summary, the available evidence is currently insufficient to determine the role of this variant in disease. Therefore, it has been classified as a Variant of Uncertain Significance. Algorithms developed to predict the effect of missense changes on protein structure and function (SIFT, PolyPhen-2, Align-GVGD) all suggest that this variant is likely to be tolerated, but these predictions have not been confirmed by published functional studies and their clinical significance is uncertain. This variant has not been reported in the literature in individuals with BRCA2-related conditions. This variant is not present in population databases (ExAC no frequency). This sequence change replaces serine with glycine at codon 1743 of the BRCA2 protein (p.Ser1743Gly). The serine residue is weakly conserved and there is a small physicochemical difference between serine and glycine.

NM_000059.4(BRCA2):c.5227A>G (p.Ser1743Gly)

Gene: BRCA2 (BRCA2 DNA repair associated; plus strand). Cytogenetic location: 13q13.1.
Variant type: single nucleotide variant.
Coding change: c.5227A>G on transcript NM_000059.4 (MANE Select); coding-DNA position 5227, A replaced by G.
Protein change: p.Ser1743Gly; replaces serine 1743 with glycine.
Molecular consequence: missense variant.
Genome position (GRCh38, 1-based): chr13:32,339,582, A>G. VCF-style: chr13-32339582-A-G. GRCh37 (hg19) VCF-style: chr13-32913719-A-G.
Other names: short protein forms S1743G.
Identifiers: ClinVar variation 965395 (VCV000965395.12), dbSNP rs397507348, ClinGen allele CA387784652.